The following is an entry in ClinVar:

ClinVar aggregate classification (germline): Pathogenic (1 of 4 stars; one submission).

Conditions:
Nephronophthisis. Also called: Juvenile Nephronophthisis. Identifiers: Orphanet 655, MedGen C0687120, MONDO:0019005, HP:0000090.

Allele frequency attached by ClinVar (database versions not stated): TOPMed below 0.00001; gnomAD 0.00001.
gnomAD v4.1: 1 of 1,610,888 alleles (0.000062%); highest among the groups gnomAD compares: African/African-American, 0.0013%; no homozygotes.

Submission:

Labcorp Genetics (formerly Invitae), Labcorp
Classification: Pathogenic for Nephronophthisis. Last evaluated: 2020-11-25. Review status: criteria provided, single submitter. Criteria: Invitae Variant Classification Sherloc (09022015). Collection method: clinical testing. Allele origin: germline.
Comment: For these reasons, this variant has been classified as Pathogenic. Loss-of-function variants in NPHP3 are known to be pathogenic (PMID: 18371931, 23559409). This variant has not been reported in the literature in individuals with NPHP3-related conditions. This variant is not present in population databases (ExAC no frequency). This sequence change creates a premature translational stop signal (p.Trp637*) in the NPHP3 gene. It is expected to result in an absent or disrupted protein product.

Literature cited by the submitters: PubMed 18371931; PubMed 23559409.

NM_153240.5(NPHP3):c.1911G>A (p.Trp637Ter)

Genes: NPHP3 (nephrocystin 3; minus strand), NPHP3-ACAD11 (NPHP3-ACAD11 readthrough (NMD candidate); minus strand). Cytogenetic location: 3q22.1.
Variant type: single nucleotide variant.
Coding change: c.1911G>A on transcript NM_153240.5 (MANE Select); coding-DNA position 1911, G replaced by A.
Protein change: p.Trp637Ter; replaces tryptophan 637 with a stop codon.
Molecular consequence: nonsense.
Genome position (GRCh38, 1-based): chr3:132,699,427, C>T on the plus strand (G>A on the coding strand, the complement: NPHP3 is on the minus strand). VCF-style: chr3-132699427-C-T. GRCh37 (hg19) VCF-style: chr3-132418271-C-T.
Other names: short protein forms W637*.
Identifiers: ClinVar variation 1070327 (VCV001070327.7), dbSNP rs919854764, ClinGen allele CA83592263.